The following is an entry in ClinVar:

NM_000051.4(ATM):c.8710del (p.Glu2904fs)

Genes: ATM (ATM serine/threonine kinase; plus strand), C11orf65 (chromosome 11 open reading frame 65; minus strand). Cytogenetic location: 11q22.3.
Variant type: Deletion.
Coding change: c.8710del on transcript NM_000051.4 (MANE Select); coding-DNA position 8710, one base deleted (G; older notation c.8710delG).
Protein change: p.Glu2904fs; shifts the reading frame from glutamic acid 2904.
Molecular consequence: frameshift variant. On other transcripts: intron variant (2).
Genome position (GRCh38, 1-based): chr11:108,353,804, G deleted. VCF-style (leftmost placement, unchanged base first): chr11-108353803-TG-T. GRCh37 (hg19) VCF-style: chr11-108224530-TG-T.
Other names: c.8710del, p.Glu2904fs (NM_001351834.2); c.640+32116del (NM_001330368.2); c.695-18512del (NM_001351110.2); short protein forms E2904fs.
Identifiers: ClinVar variation 4843904 (VCV004843904.1).

ClinVar aggregate classification (germline): Pathogenic (1 of 4 stars; one submission).

Conditions:
Hereditary cancer-predisposing syndrome. Also called: Tumor predisposition; Hereditary neoplastic syndrome; Hereditary Cancer Syndrome; Neoplastic Syndromes, Hereditary. Identifiers: Orphanet 140162, MedGen C0027672, MeSH D009386, MONDO:0015356.

Submission:

Ambry Genetics
Classification: Pathogenic for Hereditary cancer-predisposing syndrome. Last evaluated: 2025-12-18. Review status: criteria provided, single submitter. Criteria: Ambry Variant Classification Scheme 2023. Collection method: clinical testing. Allele origin: germline.
Comment: The c.8710delG pathogenic mutation, located in coding exon 59 of the ATM gene, results from a deletion of one nucleotide at nucleotide position 8710, causing a translational frameshift with a predicted alternate stop codon (p.E2904Rfs*34). This variant is considered to be rare based on population cohorts in the Genome Aggregation Database (gnomAD). This alteration is expected to result in loss of function by premature protein truncation or nonsense-mediated mRNA decay. As such, this alteration is interpreted as a disease-causing mutation.